The following is an entry in ClinVar:

ClinVar aggregate classification (germline): Uncertain significance. Review status: criteria provided, multiple submitters, no conflicts (2 of 4 stars). 2 submissions from 2 submitters: Uncertain significance (2). Last evaluated 2025-03-24.

Conditions:
Hereditary cancer-predisposing syndrome. Also called: Hereditary Cancer Syndrome; Tumor predisposition; Hereditary neoplastic syndrome; Neoplastic Syndromes, Hereditary. Identifiers: Orphanet 140162, MedGen C0027672, MeSH D009386, MONDO:0015356.

Submissions (2):

Ambry Genetics
Classification: Uncertain significance for Hereditary cancer-predisposing syndrome. Last evaluated: 2025-03-24. Review status: criteria provided, single submitter. Criteria: Ambry Variant Classification Scheme 2023. Collection method: clinical testing. Allele origin: germline.
Comment: The p.F2144L variant (also known as c.6432C>G), located in coding exon 46 of the POLE gene, results from a C to G substitution at nucleotide position 6432. The phenylalanine at codon 2144 is replaced by leucine, an amino acid with highly similar properties. This amino acid position is conserved. In addition, the in silico prediction for this alteration is inconclusive. Based on the available evidence, the clinical significance of this variant remains unclear.

Labcorp Genetics (formerly Invitae), Labcorp
Classification: Uncertain significance. Last evaluated: 2025-02-25. Review status: criteria provided, single submitter. Criteria: Invitae Variant Classification Sherloc (09022015). Collection method: clinical testing. Allele origin: germline.
Comment: This sequence change replaces phenylalanine, which is neutral and non-polar, with leucine, which is neutral and non-polar, at codon 2144 of the POLE protein (p.Phe2144Leu). This variant is not present in population databases (gnomAD no frequency). This variant has not been reported in the literature in individuals affected with POLE-related conditions. ClinVar contains an entry for this variant (Variation ID: 1414108). Invitae Evidence Modeling of protein sequence and biophysical properties (such as structural, functional, and spatial information, amino acid conservation, physicochemical variation, residue mobility, and thermodynamic stability) indicates that this missense variant is not expected to disrupt POLE protein function with a negative predictive value of 80%. In summary, the available evidence is currently insufficient to determine the role of this variant in disease. Therefore, it has been classified as a Variant of Uncertain Significance.

NM_006231.4(POLE):c.6432C>G (p.Phe2144Leu)

Gene: POLE (DNA polymerase epsilon, catalytic subunit; minus strand). Cytogenetic location: 12q24.33.
Variant type: single nucleotide variant.
Coding change: c.6432C>G on transcript NM_006231.4 (MANE Select); coding-DNA position 6432, C replaced by G.
Protein change: p.Phe2144Leu; replaces phenylalanine 2144 with leucine.
Molecular consequence: missense variant.
Genome position (GRCh38, 1-based): chr12:132,626,216, G>C on the plus strand (C>G on the coding strand, the complement: POLE is on the minus strand). VCF-style: chr12-132626216-G-C. GRCh37 (hg19) VCF-style: chr12-133202802-G-C.
Other names: c.6432C>G (NM_006231.2); short protein forms F2144L.
Identifiers: ClinVar variation 1414108 (VCV001414108.7), dbSNP rs775605353, ClinGen allele CA387367575.